The following is an entry in ClinVar:

ClinVar aggregate classification (germline): Uncertain significance (1 of 4 stars; one submission).

gnomAD v4.1: 3 of 1,608,964 alleles (0.00019%); highest among the groups gnomAD compares: Non-Finnish European, 0.00025%; no homozygotes.

Submission:

Labcorp Genetics (formerly Invitae), Labcorp
Classification: Uncertain significance. Last evaluated: 2025-02-20. Review status: criteria provided, single submitter. Criteria: Invitae Variant Classification Sherloc (09022015). Collection method: clinical testing. Allele origin: germline.
Comment: This sequence change replaces isoleucine, which is neutral and non-polar, with threonine, which is neutral and polar, at codon 760 of the DNA2 protein (p.Ile760Thr). This variant is not present in population databases (gnomAD no frequency). This variant has not been reported in the literature in individuals affected with DNA2-related conditions. Invitae Evidence Modeling of protein sequence and biophysical properties (such as structural, functional, and spatial information, amino acid conservation, physicochemical variation, residue mobility, and thermodynamic stability) indicates that this missense variant is expected to disrupt DNA2 protein function with a positive predictive value of 80%. In summary, the available evidence is currently insufficient to determine the role of this variant in disease. Therefore, it has been classified as a Variant of Uncertain Significance.

NM_001080449.3(DNA2):c.2279T>C (p.Ile760Thr)

Gene: DNA2 (DNA replication helicase/nuclease 2; minus strand). Cytogenetic location: 10q21.3.
Variant type: single nucleotide variant.
Coding change: c.2279T>C on transcript NM_001080449.3 (MANE Select); coding-DNA position 2279, T replaced by C.
Protein change: p.Ile760Thr; replaces isoleucine 760 with threonine.
Molecular consequence: missense variant. On other transcripts: non-coding transcript variant (1).
Genome position (GRCh38, 1-based): chr10:68,422,820, A>G on the plus strand (T>C on the coding strand, the complement: DNA2 is on the minus strand). VCF-style: chr10-68422820-A-G. GRCh37 (hg19) VCF-style: chr10-70182577-A-G.
Other names: short protein forms I760T.
Identifiers: ClinVar variation 4775871 (VCV004775871.1).